The following is an entry in ClinVar:

NM_000051.4(ATM):c.1735T>C (p.Trp579Arg)

Gene: ATM (ATM serine/threonine kinase; plus strand). Cytogenetic location: 11q22.3.
Variant type: single nucleotide variant.
Coding change: c.1735T>C on transcript NM_000051.4 (MANE Select); coding-DNA position 1735, T replaced by C.
Protein change: p.Trp579Arg; replaces tryptophan 579 with arginine.
Molecular consequence: missense variant.
Genome position (GRCh38, 1-based): chr11:108,251,964, T>C. VCF-style: chr11-108251964-T-C. GRCh37 (hg19) VCF-style: chr11-108122691-T-C.
Other names: c.1735T>C, p.Trp579Arg (NM_001351834.2); short protein forms W579R.
Identifiers: ClinVar variation 819969 (VCV000819969.6), dbSNP rs1591527984, ClinGen allele CA382535315.
Genomic context (GRCh38, chr11:108,251,964, plus strand): 5'-ATAGAGCAAAATATGTGTGAAGTAAATAGAAGCTTTTCTTTAAAGGAATCAATAATGAAA[T>C]GGCTCTTATTCTATCAGTTAGAGGGTGACTTAGAAAATAGCACAGAAGTGCCTCCAATTC-3'
Protein context (NP_000042.3, residues 569-589): SFSLKESIMK[Trp579Arg]LLFYQLEGDL

ClinVar aggregate classification (germline): Uncertain significance. Review status: criteria provided, multiple submitters, no conflicts (2 of 4 stars). 2 submissions from 2 submitters: Uncertain significance (2). Last evaluated 2025-01-24.

Conditions:
Hereditary cancer-predisposing syndrome. Also called: Hereditary Cancer Syndrome; Neoplastic Syndromes, Hereditary; Hereditary neoplastic syndrome; Tumor predisposition. Identifiers: Orphanet 140162, MedGen C0027672, MeSH D009386, MONDO:0015356.
Ataxia-telangiectasia syndrome (AT). Also called: Cerebello-oculocutaneous telangiectasia; Immunodeficiency with ataxia telangiectasia; Ataxia-telangiectasia, complementation group E; Ataxia-telangiectasia, complementation group D; AT, COMPLEMENTATION GROUP C; ATAXIA-TELANGIECTASIA, COMPLEMENTATION GROUP A. Identifiers: Orphanet 100, MedGen C0004135, MONDO:0008840, OMIM 208900.

Submissions (2):

Labcorp Genetics (formerly Invitae), Labcorp
Classification: Uncertain significance for Ataxia-telangiectasia syndrome. Last evaluated: 2025-01-24. Review status: criteria provided, single submitter. Criteria: Invitae Variant Classification Sherloc (09022015). Collection method: clinical testing. Allele origin: germline.
Comment: This sequence change replaces tryptophan, which is neutral and slightly polar, with arginine, which is basic and polar, at codon 579 of the ATM protein (p.Trp579Arg). This variant is not present in population databases (gnomAD no frequency). This variant has not been reported in the literature in individuals affected with ATM-related conditions. ClinVar contains an entry for this variant (Variation ID: 819969). Invitae Evidence Modeling of protein sequence and biophysical properties (such as structural, functional, and spatial information, amino acid conservation, physicochemical variation, residue mobility, and thermodynamic stability) has been performed for this missense variant. However, the output from this modeling did not meet the statistical confidence thresholds required to predict the impact of this variant on ATM protein function. In summary, the available evidence is currently insufficient to determine the role of this variant in disease. Therefore, it has been classified as a Variant of Uncertain Significance.

Ambry Genetics
Classification: Uncertain significance for Hereditary cancer-predisposing syndrome. Last evaluated: 2018-09-21. Review status: criteria provided, single submitter. Criteria: Ambry Variant Classification Scheme 2023. Collection method: clinical testing. Allele origin: germline.
Comment: The p.W579R variant (also known as c.1735T>C), located in coding exon 10 of the ATM gene, results from a T to C substitution at nucleotide position 1735. The tryptophan at codon 579 is replaced by arginine, an amino acid with dissimilar properties. This amino acid position is highly conserved in available vertebrate species. In addition, this alteration is predicted to be deleterious by in silico analysis. Since supporting evidence is limited at this time, the clinical significance of this alteration remains unclear.